The following is an entry in ClinVar:

ClinVar aggregate classification (germline): Uncertain significance (1 of 4 stars; one submission).

Allele frequency attached by ClinVar (database versions not stated): gnomAD exomes below 0.00001; gnomAD 0.00002; TOPMed 0.00002.
gnomAD v4.1: 5 of 1,609,464 alleles (0.00031%); highest among the groups gnomAD compares: South Asian, 0.0011%; no homozygotes.

Submission:

Labcorp Genetics (formerly Invitae), Labcorp
Classification: Uncertain significance. Last evaluated: 2022-06-20. Review status: criteria provided, single submitter. Criteria: Invitae Variant Classification Sherloc (09022015). Collection method: clinical testing. Allele origin: germline.
Comment: This sequence change falls in intron 7 of the TALDO1 gene. It does not directly change the encoded amino acid sequence of the TALDO1 protein. It affects a nucleotide within the consensus splice site. This variant is present in population databases (no rsID available, gnomAD 0.003%). This variant has not been reported in the literature in individuals affected with TALDO1-related conditions. Variants that disrupt the consensus splice site are a relatively common cause of aberrant splicing (PMID: 17576681, 9536098). Algorithms developed to predict the effect of sequence changes on RNA splicing suggest that this variant may disrupt the consensus splice site. In summary, the available evidence is currently insufficient to determine the role of this variant in disease. Therefore, it has been classified as a Variant of Uncertain Significance.

Literature cited by the submitters: PubMed 17576681; PubMed 9536098.

NM_006755.2(TALDO1):c.981+5G>A

Gene: TALDO1 (transaldolase 1; plus strand). Cytogenetic location: 11p15.5.
Variant type: single nucleotide variant.
Coding change: c.981+5G>A on transcript NM_006755.2 (MANE Select); 5 bases into the intron after coding-DNA position 981, G replaced by A.
Molecular consequence: intron variant.
Genome position (GRCh38, 1-based): chr11:764,438, G>A. VCF-style: chr11-764438-G-A. GRCh37 (hg19) VCF-style: chr11-764438-G-A.
Identifiers: ClinVar variation 1900816 (VCV001900816.2), dbSNP rs1414808747, ClinGen allele CA597021909.